The following is an entry in ClinVar:

NM_000485.3(APRT):c.400+2dup

Gene: APRT (adenine phosphoribosyltransferase; minus strand). Cytogenetic location: 16q24.3.
Variant type: Duplication.
Coding change: c.400+2dup on transcript NM_000485.3 (MANE Select); the canonical splice donor site of the intron after coding-DNA position 400, one base duplicated (T; older notation c.400+2dupT).
Molecular consequence: splice donor variant.
Genome position (GRCh38, 1-based): chr16:88,810,068, A duplicated on the plus strand (T on the coding strand, the reverse complement: APRT is on the minus strand). VCF-style (leftmost placement, unchanged base first): chr16-88810067-T-TA. GRCh37 (hg19) VCF-style: chr16-88876475-T-TA.
Other names: IVS4+2insT; 400+2insT; c.400+2dup (NM_000485.2, NM_001030018.2); c.400+2dupT (NM_000485.3); c.400+2_400+3insT (NM_000485.2).
Identifiers: ClinVar variation 203396 (VCV000203396.38), dbSNP rs745594160, ClinGen allele CA347281.

ClinVar aggregate classification (germline): Conflicting classifications of pathogenicity. Review status: criteria provided, conflicting classifications (1 of 4 stars). 8 submissions from 8 submitters: Pathogenic (2); Likely pathogenic (3); Uncertain significance (1). 2 of the submissions do not count toward it. Last evaluated 2026-08-06.

Conditions:
APRT-related disorder. Also called: APRT-related condition.
Adenine phosphoribosyltransferase deficiency (APRTD). Also called: APRT DEFICIENCY; NEPHROLITHIASIS, DHA; Urolithiasis, dha; 2,8-dihydroxyadenine urolithiasis. Identifiers: Orphanet 976, MedGen C0268120, MONDO:0013869, OMIM 614723.

Allele frequency attached by ClinVar (database versions not stated): gnomAD 0.00005; TOPMed 0.00006; ExAC 0.00008; ESP Exome Variant Server 0.00008; gnomAD exomes 0.00011 and 0.00020.

Submissions (8):

OLLIN Analises Genomicas, OLLIN
Classification: Likely pathogenic for Adenine phosphoribosyltransferase deficiency. Last evaluated: 2026-08-06. Review status: criteria provided, single submitter. Criteria: ACMG Guidelines 2015 PMID 25741868. Collection method: clinical testing. Allele origin: germline. Inheritance: Autosomal recessive inheritance.
Comment: This variant, has been reported in ClinVar (accession VCV000203396.35) and in gnomAD with an allele frequency of 0.019%. However, to our knowledge, it has not been reported in the scientific literature. According to the currently available evidence, this variant has been classified as likely pathogenic (PM2_P, PP3).

Labcorp Genetics (formerly Invitae), Labcorp
Classification: Pathogenic. Last evaluated: 2025-10-29. Review status: criteria provided, single submitter. Criteria: Invitae Variant Classification Sherloc (09022015). Collection method: clinical testing. Allele origin: germline.
Comment: This sequence change falls in intron 4 of the APRT gene. It does not directly change the encoded amino acid sequence of the APRT protein. RNA analysis indicates that this variant induces altered splicing and may result in an absent or disrupted protein product. However, the current clinical and genetic evidence is not sufficient to establish whether loss-of-function variants in APRT cause disease. This variant is present in population databases (rs745594160, gnomAD 0.02%). This variant has been observed in individual(s) with adenine phosphoribosyltransferase (APRT) deficiency (PMID: 3680503, 11243733, 30355577). This variant is also known as IVS4+2insT. ClinVar contains an entry for this variant (Variation ID: 203396). Variants that disrupt the consensus splice site are a relatively common cause of aberrant splicing (PMID: 17576681, 9536098). Studies have shown that this variant results in aberrant splicing and introduces a premature termination codon (PMID: 3680503). The resulting mRNA is expected to undergo nonsense-mediated decay. For these reasons, this variant has been classified as Pathogenic.

Rare Kidney Stone Consortium and the Mayo Clinic Hyperoxaluria Center, Mayo Clinic
Classification: Likely pathogenic for Adenine phosphoribosyltransferase deficiency. Last evaluated: 2025-10-03. Review status: criteria provided, single submitter. Criteria: ACMG Guidelines, 2015. Collection method: research. Allele origin: germline. Observed: 1 variant allele.
Comment: ACMG:PVS1, PM2, PM3, PP3, PP5

First Genomix Gene Laboratory, Genetic Diagnostics Department
Classification: Likely pathogenic for Adenine phosphoribosyltransferase deficiency. Last evaluated: 2025-07-23. Review status: criteria provided, single submitter. Criteria: ACMG Guidelines, 2015. Collection method: clinical testing. Allele origin: germline. Inheritance: Autosomal recessive inheritance. Affected: no. Observed: 1 variant allele.

Blueprint Genetics
Classification: Pathogenic for APRT-related disorders. Last evaluated: 2024-10-04. Review status: criteria provided, single submitter. Criteria: ACMG Guidelines, 2015. Collection method: clinical testing. Allele origin: germline. Affected: yes. Observed: 5 variant alleles.

CeGaT Center for Human Genetics Tuebingen
Classification: Uncertain significance. Last evaluated: 2023-10-01. Review status: criteria provided, single submitter. Criteria: CeGaT Center For Human Genetics Tuebingen Variant Classification Criteria Version 2. Collection method: clinical testing. Allele origin: germline. Affected: yes. Observed: 1 variant allele.
Comment: APRT: PM2, PP3

APRT Deficiency Research Program of the Rare Kidney Stone Consortium, Landspitali, National University Hospital of Iceland
Classification: Pathogenic for Adenine phosphoribosyltransferase deficiency. Last evaluated: 2020-09-01. Review status: no assertion criteria provided. Collection method: literature only. Allele origin: germline. Affected: yes. Not counted in ClinVar's aggregate classification.

GeneReviews
No classification provided. Condition: Adenine phosphoribosyltransferase deficiency. Review status: no classification provided. Collection method: literature only. Allele origin: germline. Affected: yes. Not counted in ClinVar's aggregate classification.

Literature cited by the submitters: PubMed 3680503 (cited by Labcorp Genetics (formerly Invitae), Labcorp and Rare Kidney Stone Consortium and the Mayo Clinic Hyperoxaluria Center, Mayo Clinic); PubMed 11243733 (cited by 3 submitters); PubMed 30355577 (cited by Labcorp Genetics (formerly Invitae), Labcorp and APRT Deficiency Research Program of the Rare Kidney Stone Consortium, Landspitali, National University Hospital of Iceland); PubMed 17576681 (cited by Labcorp Genetics (formerly Invitae), Labcorp); PubMed 9536098 (cited by Labcorp Genetics (formerly Invitae), Labcorp); PubMed 31589614 (cited by Rare Kidney Stone Consortium and the Mayo Clinic Hyperoxaluria Center, Mayo Clinic); PubMed 33707627 (cited by Rare Kidney Stone Consortium and the Mayo Clinic Hyperoxaluria Center, Mayo Clinic); PubMed 40794449 (cited by Rare Kidney Stone Consortium and the Mayo Clinic Hyperoxaluria Center, Mayo Clinic); DOI 10.1036/ommbid.136 (cited by APRT Deficiency Research Program of the Rare Kidney Stone Consortium, Landspitali, National University Hospital of Iceland); PubMed 9298830 (cited by APRT Deficiency Research Program of the Rare Kidney Stone Consortium, Landspitali, National University Hospital of Iceland); PubMed 25983915 (cited by APRT Deficiency Research Program of the Rare Kidney Stone Consortium, Landspitali, National University Hospital of Iceland); NCBI Bookshelf NBK100238 (cited by GeneReviews).